The following is an entry in ClinVar:

NM_001371986.1(UNC80):c.3031A>T (p.Thr1011Ser)

Gene: UNC80 (unc-80 subunit of NALCN channel complex; plus strand). Cytogenetic location: 2q34.
Variant type: single nucleotide variant.
Coding change: c.3031A>T on transcript NM_001371986.1 (MANE Select); coding-DNA position 3031, A replaced by T.
Protein change: p.Thr1011Ser; replaces threonine 1011 with serine.
Molecular consequence: missense variant.
Genome position (GRCh38, 1-based): chr2:209,835,000, A>T. VCF-style: chr2-209835000-A-T. GRCh37 (hg19) VCF-style: chr2-210699724-A-T.
Other names: c.3031A>T (NM_032504.1); c.3031A>T, p.Thr1011Ser (NM_032504.2); c.3016A>T, p.Thr1006Ser (NM_182587.4); short protein forms T1011S, T1006S.
Identifiers: ClinVar variation 1472332 (VCV001472332.6), dbSNP rs953358458, ClinGen allele CA64681393.

ClinVar aggregate classification (germline): Uncertain significance. Review status: criteria provided, multiple submitters, no conflicts (2 of 4 stars). 2 submissions from 2 submitters: Uncertain significance (2). Last evaluated 2025-04-13.

Conditions:
Inborn genetic diseases. Identifiers: MedGen C0950123, MeSH D030342.

Allele frequency attached by ClinVar (database versions not stated): TOPMed 0.00002; gnomAD 0.00004.

Submissions (2):

Ambry Genetics
Classification: Uncertain significance for Inborn genetic diseases. Last evaluated: 2025-04-13. Review status: criteria provided, single submitter. Criteria: Ambry Variant Classification Scheme 2023. Collection method: clinical testing. Allele origin: germline.

Labcorp Genetics (formerly Invitae), Labcorp
Classification: Uncertain significance. Last evaluated: 2024-02-17. Review status: criteria provided, single submitter. Criteria: Invitae Variant Classification Sherloc (09022015). Collection method: clinical testing. Allele origin: germline.
Comment: This sequence change replaces threonine with serine at codon 1011 of the UNC80 protein (p.Thr1011Ser). The threonine residue is moderately conserved and there is a small physicochemical difference between threonine and serine. This variant is present in population databases (no rsID available, gnomAD 0.002%). This variant has not been reported in the literature in individuals affected with UNC80-related conditions. ClinVar contains an entry for this variant (Variation ID: 1472332). An algorithm developed to predict the effect of missense changes on protein structure and function (PolyPhen-2) suggests that this variant is likely to be disruptive. In summary, the available evidence is currently insufficient to determine the role of this variant in disease. Therefore, it has been classified as a Variant of Uncertain Significance.